The following is an entry in ClinVar:

ClinVar aggregate classification (germline): Likely benign. Review status: reviewed by expert panel (3 of 4 stars). 4 submissions from 4 submitters: Likely benign (1). 3 of the submissions do not count toward it. Last evaluated 2025-01-07.

Conditions:
DICER1-related tumor predisposition. Also called: DICER1-related pleuropulmonary blastoma cancer predisposition syndrome; DICER1 syndrome. Identifiers: Orphanet 284343, MedGen C3839822, MONDO:0100216.
Hereditary cancer-predisposing syndrome. Also called: Neoplastic Syndromes, Hereditary; Tumor predisposition; Hereditary Cancer Syndrome; Hereditary neoplastic syndrome. Identifiers: Orphanet 140162, MedGen C0027672, MeSH D009386, MONDO:0015356.

Allele frequency attached by ClinVar (database versions not stated): gnomAD exomes below 0.00001 and 0.00001; ExAC 0.00001.
gnomAD v4.1: 12 of 1,614,166 alleles (0.00074%); highest among the groups gnomAD compares: Non-Finnish European, 0.001%; no homozygotes.

Submissions (4):

ClinGen DICER1 and miRNA-Processing Gene Variant Curation Expert Panel, ClinGen
Classification: Likely benign for DICER1-related tumor predisposition. Last evaluated: 2025-01-07. Review status: reviewed by expert panel. Criteria: ClinGen DICER1 ACMG Specifications DICER1 V1.3.0. Collection method: curation. Allele origin: germline. Inheritance: Autosomal dominant inheritance.
Comment: The NM_177438.3:c.1802T>C variant in DICER1 is a missense variant predicted to cause substitution of isoleucine by threonine at amino acid 601 (p.Ile601Thr). This variant has been seen in 10 or more unrelated females without tumors through age 50 in at least one testing laboratory (BS2_Supporting; Internal lab contributors). The total allele frequency in gnomAD v4.1.0 is 0.000007434 (12/1,614,166 alleles) with a highest population minor allele frequency of 0.00001017 (12/1,179,996 alleles) in European (Non-Finnish) population (PM2_Supporting, BS1, and BA1 are not met). In silico tools predict no damaging impact of the variant on protein function (REVEL: 0.033; MaxEntScan and SpliceAI: no effect on splicing) (BP4). In summary, this variant meets the criteria to be classified as Likely Benign for DICER1-related tumor predisposition based on the ACMG/AMP criteria applied, as specified by the ClinGen DICER1 VCEP: BS2_Supporting, BP4. (Bayesian Points: -2; VCEP specifications version 1.3.0; 01/07/2025)

Labcorp Genetics (formerly Invitae), Labcorp
Classification: Uncertain significance for DICER1-related tumor predisposition. Last evaluated: 2025-08-28. Review status: criteria provided, single submitter. Criteria: Invitae Variant Classification Sherloc (09022015). Collection method: clinical testing. Allele origin: germline. Not counted in ClinVar's aggregate classification.
Comment: This sequence change replaces isoleucine, which is neutral and non-polar, with threonine, which is neutral and polar, at codon 601 of the DICER1 protein (p.Ile601Thr). This variant is present in population databases (rs760966585, gnomAD 0.0009%). This variant has not been reported in the literature in individuals affected with DICER1-related conditions. ClinVar contains an entry for this variant (Variation ID: 543609). Invitae Evidence Modeling of protein sequence and biophysical properties (such as structural, functional, and spatial information, amino acid conservation, physicochemical variation, residue mobility, and thermodynamic stability) indicates that this missense variant is not expected to disrupt DICER1 protein function with a negative predictive value of 95%. In summary, the available evidence is currently insufficient to determine the role of this variant in disease. Therefore, it has been classified as a Variant of Uncertain Significance.

GeneDx
Classification: Uncertain significance. Last evaluated: 2024-01-03. Review status: criteria provided, single submitter. Criteria: GeneDx Variant Classification Process June 2021. Collection method: clinical testing. Allele origin: germline. Affected: yes. Not counted in ClinVar's aggregate classification.
Comment: Not observed at significant frequency in large population cohorts (gnomAD); In silico analysis supports that this missense variant does not alter protein structure/function; Has not been previously published as pathogenic or benign to our knowledge

Ambry Genetics
Classification: Likely benign for Hereditary cancer-predisposing syndrome. Last evaluated: 2024-01-02. Review status: criteria provided, single submitter. Criteria: Ambry Variant Classification Scheme 2023. Collection method: clinical testing. Allele origin: germline. Not counted in ClinVar's aggregate classification.

NM_177438.3(DICER1):c.1802T>C (p.Ile601Thr)

Gene: DICER1 (dicer 1, ribonuclease III; minus strand). Cytogenetic location: 14q32.13.
Variant type: single nucleotide variant.
Coding change: c.1802T>C on transcript NM_177438.3 (MANE Select); coding-DNA position 1802, T replaced by C.
Protein change: p.Ile601Thr; replaces isoleucine 601 with threonine.
Molecular consequence: missense variant.
Genome position (GRCh38, 1-based): chr14:95,115,772, A>G on the plus strand (T>C on the coding strand, the complement: DICER1 is on the minus strand). VCF-style: chr14-95115772-A-G. GRCh37 (hg19) VCF-style: chr14-95582109-A-G.
Other names: NM_177438.3(DICER1):c.1802T>C; p.Ile601Thr; c.1802T>C, p.Ile601Thr (NM_001195573.1, NM_001271282.3, NM_001291628.2 and 1 more transcripts); short protein forms I601T.
Identifiers: ClinVar variation 543609 (VCV000543609.19), dbSNP rs760966585, ClinGen allele CA7331394.